The following is an entry in ClinVar:

ClinVar aggregate classification (germline): Uncertain significance. Review status: criteria provided, multiple submitters, no conflicts (2 of 4 stars). 2 submissions from 2 submitters: Uncertain significance (2). Last evaluated 2021-12-22.

Conditions:
Spinocerebellar ataxia type 6 (SCA6). Identifiers: Orphanet 98758, MedGen C0752124, MONDO:0008457, OMIM 183086.
Episodic ataxia type 2 (EA2). Also called: ATAXIA, EPISODIC, WITH NYSTAGMUS; ATAXIA, FAMILIAL PAROXYSMAL; CEREBELLAR ATAXIA, PAROXYSMAL, ACETAZOLAMIDE-RESPONSIVE; CEREBELLOPATHY, HEREDITARY PAROXYSMAL; EPISODIC ATAXIA, NYSTAGMUS-ASSOCIATED; ACETAZOLAMIDE-RESPONSIVE HEREDITARY PAROXYSMAL CEREBELLAR ATAXIA. Identifiers: Orphanet 97, MedGen C1720416, MONDO:0007163, OMIM 108500.
Developmental and epileptic encephalopathy, 42 (DEE42A). Also called: Epileptic encephalopathy, early infantile, 42; DEVELOPMENTAL AND EPILEPTIC ENCEPHALOPATHY 42A; EPILEPTIC ENCEPHALOPATHY, EARLY INFANTILE, 42A. Identifiers: MedGen C4310716, MONDO:0014917, OMIM 617106.
Migraine, familial hemiplegic, 1. Also called: MIGRAINE, FAMILIAL HEMIPLEGIC 1, WITH PROGRESSIVE CEREBELLAR ATAXIA. Identifiers: Orphanet 569, MedGen C1832884, MONDO:0020756, OMIM 141500, MONDO:0007714.

Submissions (2):

Fulgent Genetics
Classification: Uncertain significance for Episodic ataxia type 2; Migraine, familial hemiplegic, 1; Spinocerebellar ataxia type 6; Developmental and epileptic encephalopathy, 42. Last evaluated: 2021-12-22. Review status: criteria provided, single submitter. Criteria: ACMG Guidelines, 2015. Collection method: clinical testing. Allele origin: unknown.

GeneDx
Classification: Uncertain significance. Last evaluated: 2018-11-01. Review status: criteria provided, single submitter. Criteria: GeneDx Variant Classification (06012015). Collection method: clinical testing. Allele origin: germline. Affected: yes.
Comment: The M1961I variant in the CACNA1A gene has not been reported previously as a pathogenic variant, nor as a benign variant, to our knowledge. The M1961I variant is not observed in large population cohorts (Lek et al., 2016; 1000 Genomes Consortium et al., 2015; Exome Variant Server). The M1961I variant is a conservative amino acid substitution, which is not likely to impact secondary protein structure as these residues share similar properties. However, this substitution occurs at a position that is conserved across species, and in silico analysis predicts this variant is probably damaging to the protein structure/function. We interpret M1961I as a variant of uncertain significance.

NM_001127222.2(CACNA1A):c.5880G>A (p.Met1960Ile)

Gene: CACNA1A (calcium voltage-gated channel subunit alpha1 A; minus strand). Cytogenetic location: 19p13.13.
Variant type: single nucleotide variant.
Coding change: c.5880G>A on transcript NM_001127222.2 (MANE Select); coding-DNA position 5880, G replaced by A.
Protein change: p.Met1960Ile; replaces methionine 1960 with isoleucine.
Molecular consequence: missense variant.
Genome position (GRCh38, 1-based): chr19:13,214,293, C>T on the plus strand (G>A on the coding strand, the complement: CACNA1A is on the minus strand). VCF-style: chr19-13214293-C-T. GRCh37 (hg19) VCF-style: chr19-13325107-C-T.
Other names: c.5898G>A, p.Met1966Ile (NM_000068.4, NM_023035.3); c.5883G>A, p.Met1961Ile (NM_001127221.2); c.5889G>A, p.Met1963Ile (NM_001174080.2); short protein forms M1961I, M1963I, M1966I, M1960I.
Identifiers: ClinVar variation 426309 (VCV000426309.3), dbSNP rs1085307557, ClinGen allele CA404334132.
Genomic context (GRCh38, chr19:13,214,293, plus strand): 5'-CTGCTCCTCGCGCATGGCCTGCAGCTTCTTGGCCTTGCTCTGCCGGTAGTACTCCATGAT[C>T]ATCATGGCTGCGTAGATCTTCCCCACGGTGAGGTCCGTGGCTGGGGGCACACACACGGTG-3'
Protein context (NP_001120694.1, residues 1950-1970): LTVGKIYAAM[Met1960Ile]IMEYYRQSKA